The following is an entry in ClinVar:

ClinVar aggregate classification (germline): Likely benign. Review status: criteria provided, multiple submitters, no conflicts (2 of 4 stars). 2 submissions from 2 submitters: Likely benign (2). Last evaluated 2024-07-01.

Conditions:
Paroxysmal nonkinesigenic dyskinesia. Also called: Paroxysmal non-kinesigenic dyskinesia. Identifiers: Orphanet 98810, MedGen C1869117, MONDO:0700088.

Submissions (2):

CeGaT Center for Human Genetics Tuebingen
Classification: Likely benign. Last evaluated: 2024-07-01. Review status: criteria provided, single submitter. Criteria: CeGaT Center For Human Genetics Tuebingen Variant Classification Criteria Version 2. Collection method: clinical testing. Allele origin: germline. Affected: yes. Observed: 1 variant allele.
Comment: PNKD: PM2:Supporting, BP4, BP7

Labcorp Genetics (formerly Invitae), Labcorp
Classification: Likely benign for Paroxysmal nonkinesigenic dyskinesia. Last evaluated: 2023-07-14. Review status: criteria provided, single submitter. Criteria: Invitae Variant Classification Sherloc (09022015). Collection method: clinical testing. Allele origin: germline.

NM_015488.5(PNKD):c.1068G>C (p.Pro356=)

Genes: CATIP-AS2 (CATIP antisense RNA 2; minus strand), PNKD (PNKD metallo-beta-lactamase domain containing; plus strand). Cytogenetic location: 2q35.
Variant type: single nucleotide variant.
Coding change: c.1068G>C on transcript NM_015488.5 (MANE Select); coding-DNA position 1068, G replaced by C.
Protein change: p.Pro356=; no amino-acid change (proline 356 retained).
Molecular consequence: synonymous variant.
Genome position (GRCh38, 1-based): chr2:218,344,891, G>C. VCF-style: chr2-218344891-G-C. GRCh37 (hg19) VCF-style: chr2-219209614-G-C.
Other names: c.996G>C, p.Pro332= (NM_022572.5).
Identifiers: ClinVar variation 1560813 (VCV001560813.25), dbSNP rs139193832, ClinGen allele CA431220581.